The following is an entry in ClinVar:

ClinVar aggregate classification (germline): Uncertain significance (1 of 4 stars; one submission).

gnomAD v4.1: 1 of 1,613,910 alleles (0.000062%); highest among the groups gnomAD compares: Non-Finnish European, 0.000085%; no homozygotes.

Submission:

CeGaT Center for Human Genetics Tuebingen
Classification: Uncertain significance. Last evaluated: 2023-08-01. Review status: criteria provided, single submitter. Criteria: CeGaT Center For Human Genetics Tuebingen Variant Classification Criteria Version 2. Collection method: clinical testing. Allele origin: germline. Affected: yes. Observed: 1 variant allele.
Comment: LTBP1: PM2

NM_206943.4(LTBP1):c.4041A>T (p.Lys1347Asn)

Gene: LTBP1 (latent transforming growth factor beta binding protein 1; plus strand). Cytogenetic location: 2p22.3.
Variant type: single nucleotide variant.
Coding change: c.4041A>T on transcript NM_206943.4 (MANE Select); coding-DNA position 4041, A replaced by T.
Protein change: p.Lys1347Asn; replaces lysine 1347 with asparagine.
Molecular consequence: missense variant.
Genome position (GRCh38, 1-based): chr2:33,360,637, A>T. VCF-style: chr2-33360637-A-T. GRCh37 (hg19) VCF-style: chr2-33585704-A-T.
Other names: c.3063A>T, p.Lys1021Asn (NM_000627.4); c.2937A>T, p.Lys979Asn (NM_001166264.2, NM_001394909.1); c.2904A>T, p.Lys968Asn (NM_001166265.2); c.2778A>T, p.Lys926Asn (NM_001166266.2, NM_001394920.1); c.3882A>T, p.Lys1294Asn (NM_001394905.1); c.3060A>T, p.Lys1020Asn (NM_001394906.1); c.2976A>T, p.Lys992Asn (NM_001394907.1); c.2943A>T, p.Lys981Asn (NM_001394908.1); and 13 more; short protein forms K1020N, K1021N, K1294N, K1347N, K836N, K878N, K884N, K886N.
Identifiers: ClinVar variation 2578852 (VCV002578852.25), dbSNP rs756804324, ClinGen allele CA346563346.